The following is an entry in ClinVar:

NM_001283009.2(RTEL1):c.3622C>A (p.Pro1208Thr)

Genes: RTEL1 (regulator of telomere elongation helicase 1; plus strand), RTEL1-TNFRSF6B (RTEL1-TNFRSF6B readthrough (NMD candidate); plus strand). Cytogenetic location: 20q13.33.
Variant type: single nucleotide variant.
Coding change: c.3622C>A on transcript NM_001283009.2 (MANE Select); coding-DNA position 3622, C replaced by A.
Protein change: p.Pro1208Thr; replaces proline 1208 with threonine.
Molecular consequence: missense variant. On other transcripts: non-coding transcript variant (1).
Genome position (GRCh38, 1-based): chr20:63,695,450, C>A. VCF-style: chr20-63695450-C-A. GRCh37 (hg19) VCF-style: chr20-62326803-C-A.
Other names: c.2953C>A, p.Pro985Thr (NM_001283010.1); c.3622C>A, p.Pro1208Thr (NM_016434.4); c.3694C>A, p.Pro1232Thr (NM_032957.5); short protein forms P1208T, P1232T, P985T.
Identifiers: ClinVar variation 5028474 (VCV005028474.1).

ClinVar aggregate classification (germline): Uncertain significance (1 of 4 stars; one submission).

Conditions:
Inborn genetic diseases. Identifiers: MedGen C0950123, MeSH D030342.

Submission:

Ambry Genetics
Classification: Uncertain significance for Inborn genetic diseases. Last evaluated: 2026-07-04. Review status: criteria provided, single submitter. Criteria: Ambry Variant Classification Scheme 2023. Collection method: clinical testing. Allele origin: germline.
Comment: The p.P1208T variant (also known as c.3622C>A), located in coding exon 33 of the RTEL1 gene, results from a C to A substitution at nucleotide position 3622. The proline at codon 1208 is replaced by threonine, an amino acid with highly similar properties. This amino acid position is conserved. In addition, this alteration is predicted to be tolerated by in silico analysis. Based on the available evidence, the clinical significance of this variant remains unclear.